The following is an entry in ClinVar:

ClinVar aggregate classification (germline): Conflicting classifications of pathogenicity. Review status: criteria provided, conflicting classifications (1 of 4 stars). 3 submissions from 3 submitters: Likely pathogenic (1); Likely benign (1). 1 of the submissions does not count toward it. Last evaluated 2024-08-23.

Conditions:
Duchenne muscular dystrophy (DMD). Also called: MUSCULAR DYSTROPHY, PSEUDOHYPERTROPHIC PROGRESSIVE, DUCHENNE TYPE; Duchenne Muscular Dystrophy (DMD). Identifiers: Orphanet 98896, MedGen C0013264, MONDO:0010679, OMIM 310200.
Elevated circulating creatine kinase activity. Also called: Elevated creatine kinase; Elevated serum creatine phosphokinase; Elevated circulating creatine kinase concentration. Identifiers: MedGen C0241005, HP:0003236.

Submissions (3):

Labcorp Genetics (formerly Invitae), Labcorp
Classification: Likely pathogenic for Duchenne muscular dystrophy. Last evaluated: 2024-08-23. Review status: criteria provided, single submitter. Criteria: Invitae Variant Classification Sherloc (09022015). Collection method: clinical testing. Allele origin: germline.
Comment: This sequence change affects codon 1201 of the DMD mRNA. It is a 'silent' change, meaning that it does not change the encoded amino acid sequence of the DMD protein. This variant also falls at the last nucleotide of exon 26, which is part of the consensus splice site for this exon. The frequency data for this variant in the population databases is considered unreliable, as metrics indicate poor data quality at this position in the gnomAD database. This variant has been observed in individuals with Becker/Duchenne muscular dystrophy (PMID: 16770791, 19959795; internal data). ClinVar contains an entry for this variant (Variation ID: 803891). Variants that disrupt the consensus splice site are a relatively common cause of aberrant splicing (PMID: 17576681, 9536098). Algorithms developed to predict the effect of sequence changes on RNA splicing suggest that this variant may disrupt the consensus splice site. In summary, the currently available evidence indicates that the variant is pathogenic, but additional data are needed to prove that conclusively. Therefore, this variant has been classified as Likely Pathogenic.

Mendelics
Classification: Likely benign for Duchenne muscular dystrophy. Last evaluated: 2019-05-28. Review status: criteria provided, single submitter. Criteria: Mendelics Assertion Criteria 2017. Collection method: clinical testing. Allele origin: unknown.

Institute of Human Genetics, University of Wuerzburg
Classification: Uncertain significance for Elevated circulating creatine kinase activity. Review status: no assertion criteria provided. Collection method: clinical testing. Allele origin: unknown. Affected: yes. Observed: 1 variant allele. Not counted in ClinVar's aggregate classification.

Literature cited by the submitters: PubMed 16770791 (cited by Labcorp Genetics (formerly Invitae), Labcorp); PubMed 19959795 (cited by Labcorp Genetics (formerly Invitae), Labcorp); PubMed 17576681 (cited by Labcorp Genetics (formerly Invitae), Labcorp); PubMed 9536098 (cited by Labcorp Genetics (formerly Invitae), Labcorp).

NM_004006.3(DMD):c.3603G>A (p.Lys1201=)

Gene: DMD (dystrophin; minus strand). Cytogenetic location: Xp21.1.
Variant type: single nucleotide variant.
Coding change: c.3603G>A on transcript NM_004006.3 (MANE Select); coding-DNA position 3603, G replaced by A.
Protein change: p.Lys1201=; no amino-acid change (lysine 1201 retained).
Molecular consequence: synonymous variant.
Genome position (GRCh38, 1-based): chrX:32,454,662, C>T on the plus strand (G>A on the coding strand, the complement: DMD is on the minus strand). VCF-style: chrX-32454662-C-T. GRCh37 (hg19) VCF-style: chrX-32472779-C-T.
Other names: c.3579G>A, p.Lys1193= (NM_000109.4); c.3591G>A, p.Lys1197= (NM_004009.3); c.3234G>A, p.Lys1078= (NM_004010.3).
Identifiers: ClinVar variation 803891 (VCV000803891.6), dbSNP rs1265370991, ClinGen allele CA515715221.